The following is an entry in ClinVar:

ClinVar aggregate classification (germline): Likely benign (1 of 4 stars; one submission).

Submission:

Women's Health and Genetics/Laboratory Corporation of America, LabCorp
Classification: Likely benign. Last evaluated: 2025-07-24. Review status: criteria provided, single submitter. Criteria: LabCorp Variant Classification Summary - May 2015. Collection method: clinical testing. Allele origin: germline.
Comment: Variant summary: MYH6 c.3979-9_3979-8delinsG alters a nucleotide located at a position not widely known to affect splicing. Consensus agreement among computation tools predict no significant impact on normal splicing. However, these predictions have yet to be confirmed by functional studies. The variant was absent in 162742 control chromosomes. The available data on variant occurrences in the general population are insufficient to allow any conclusion about variant significance. To our knowledge, no occurrence of c.3979-9_3979-8delinsG in individuals affected with Cardiomyopathy and no experimental evidence demonstrating its impact on protein function have been reported. ClinVar contains an entry for this variant (Variation ID: 3339994). Based on the evidence outlined above, the variant was classified as likely benign.

NM_002471.4(MYH6):c.3979-9_3979-8delinsG

Gene: MYH6 (myosin heavy chain 6; minus strand). Cytogenetic location: 14q11.2.
Variant type: Indel.
Coding change: c.3979-9_3979-8delinsG on transcript NM_002471.4 (MANE Select); 9 bases into the intron before coding-DNA position 3979 through 8 bases into the intron before coding-DNA position 3979, CC replaced by G.
Molecular consequence: intron variant.
Genome position (GRCh38, 1-based): chr14:23,389,063-23,389,064, GG replaced by C on the plus strand (CC replaced by G on the coding strand, the reverse complement: MYH6 is on the minus strand). VCF-style: chr14-23389063-GG-C. GRCh37 (hg19) VCF-style: chr14-23858272-GG-C.
Identifiers: ClinVar variation 3339994 (VCV003339994.2).